The following is an entry in ClinVar:

ClinVar aggregate classification (germline): Uncertain significance. Review status: criteria provided, multiple submitters, no conflicts (2 of 4 stars). 3 submissions from 3 submitters: Uncertain significance (3). Last evaluated 2025-02-17.

Conditions:
Inborn genetic diseases. Identifiers: MedGen C0950123, MeSH D030342.

Allele frequency attached by ClinVar (database versions not stated): ESP Exome Variant Server 0.00015; ExAC 0.00021; TOPMed 0.00024; gnomAD exomes 0.00025; gnomAD 0.00029.
gnomAD v4.1: 405 of 1,613,750 alleles (0.025%); highest among the groups gnomAD compares: Non-Finnish European, 0.029%; no homozygotes.

Submissions (4):

Mayo Clinic Laboratories, Mayo Clinic
Classification: Uncertain significance. Last evaluated: 2025-02-17. Review status: criteria provided, single submitter. Criteria: ACMG Guidelines, 2015. Collection method: clinical testing. Allele origin: germline. Observed: 2 variant alleles.
Comment: BP4

Blueprint Genetics
Classification: Uncertain significance. Last evaluated: 2024-11-13. Review status: criteria provided, single submitter. Criteria: ACMG Guidelines, 2015. Collection method: clinical testing. Allele origin: germline.

Ambry Genetics
Classification: Uncertain significance for Inborn genetic diseases. Last evaluated: 2021-07-14. Review status: criteria provided, single submitter. Criteria: Ambry Variant Classification Scheme 2023. Collection method: clinical testing. Allele origin: germline.

Dr. Peter K. Rogan Lab, Western University
No classification provided (evidence only). Condition: Familial cancer of breast. Review status: no classification provided. Collection method: in vitro. Allele origin: not applicable. Functional consequence: retained intron. Not counted in ClinVar's aggregate classification.

NM_018294.6(CWF19L1):c.1043A>G (p.His348Arg)

Gene: CWF19L1 (CWF19 like cell cycle control factor 1; minus strand). Cytogenetic location: 10q24.31.
Variant type: single nucleotide variant.
Coding change: c.1043A>G on transcript NM_018294.6 (MANE Select); coding-DNA position 1043, A replaced by G.
Protein change: p.His348Arg; replaces histidine 348 with arginine.
Molecular consequence: missense variant.
Genome position (GRCh38, 1-based): chr10:100,243,699, T>C on the plus strand (A>G on the coding strand, the complement: CWF19L1 is on the minus strand). VCF-style: chr10-100243699-T-C. GRCh37 (hg19) VCF-style: chr10-102003456-T-C.
Other names: p.His348Arg; NC_000010.10:g.102003456T>C; c.1043A>G, p.His348Arg (NM_001303404.2); c.632A>G, p.His211Arg (NM_001303405.2, NM_001303406.2); c.308A>G, p.His103Arg (NM_001303407.2); short protein forms H103R, H348R, H211R.
Identifiers: ClinVar variation 2347432 (VCV002347432.6), dbSNP rs199666617, ClinGen allele CA5646987.